The following is an entry in ClinVar:

ClinVar aggregate classification (germline): Uncertain significance (1 of 4 stars; one submission).

Allele frequency attached by ClinVar (database versions not stated): gnomAD exomes below 0.00001.
gnomAD v4.1: 1 of 1,614,186 alleles (0.000062%); highest among the groups gnomAD compares: South Asian, 0.0011%; no homozygotes.

Submission:

GeneDx
Classification: Uncertain significance. Last evaluated: 2023-03-25. Review status: criteria provided, single submitter. Criteria: GeneDx Variant Classification Process June 2021. Collection method: clinical testing. Allele origin: germline. Affected: yes.
Comment: Not observed at significant frequency in large population cohorts (gnomAD); In silico analysis supports that this missense variant has a deleterious effect on protein structure/function; Has not been previously published as pathogenic or benign to our knowledge

NM_007118.4(TRIO):c.8056G>A (p.Glu2686Lys)

Genes: TRIO (trio Rho guanine nucleotide exchange factor; plus strand), LOC126807323 (CDK7 strongly-dependent group 2 enhancer GRCh37_chr5:14497716-14498915; plus strand). Cytogenetic location: 5p15.2.
Variant type: single nucleotide variant.
Coding change: c.8056G>A on transcript NM_007118.4 (MANE Select); coding-DNA position 8056, G replaced by A.
Protein change: p.Glu2686Lys; replaces glutamic acid 2686 with lysine.
Molecular consequence: missense variant. On other transcripts: non-coding transcript variant (1).
Genome position (GRCh38, 1-based): chr5:14,498,097, G>A. VCF-style: chr5-14498097-G-A. GRCh37 (hg19) VCF-style: chr5-14498206-G-A.
Other names: short protein forms E2686K.
Identifiers: ClinVar variation 2580710 (VCV002580710.1), dbSNP rs2477610726, ClinGen allele CA359239075.